The following is an entry in ClinVar:

NM_001040108.2(MLH3):c.214_215insTA (p.Arg72fs)

Gene: MLH3 (mutL homolog 3; minus strand). Cytogenetic location: 14q24.3.
Variant type: Insertion.
Coding change: c.214_215insTA on transcript NM_001040108.2 (MANE Select); coding-DNA positions 214 to 215, TA inserted.
Protein change: p.Arg72fs; shifts the reading frame from arginine 72.
Molecular consequence: frameshift variant.
Genome position: GRCh38 VCF-style: chr14-75049441-C-CTA. GRCh37 (hg19) VCF-style: chr14-75516144-C-CTA.
Other names: c.214_215insTA, p.Arg72fs (NM_014381.3); short protein forms R72fs.
Identifiers: ClinVar variation 4552057 (VCV004552057.3).

ClinVar aggregate classification (germline): Pathogenic. Review status: criteria provided, multiple submitters, no conflicts (2 of 4 stars). 2 submissions from 2 submitters: Pathogenic (2). Last evaluated 2026-05-28.

Conditions:
Colorectal cancer, hereditary nonpolyposis, type 7. Identifiers: Orphanet 144, MedGen C1858380, MONDO:0013725, OMIM 614385.

Submissions (2):

Ambry Genetics
Classification: Pathogenic. Last evaluated: 2026-05-28. Review status: criteria provided, single submitter. Criteria: Ambry Variant Classification Scheme 2023. Collection method: clinical testing. Allele origin: germline.
Comment: The c.214_215insTA pathogenic mutation, located in coding exon 1 of the MLH3 gene, results from an insertion of two nucleotides at position 214, causing a translational frameshift with a predicted alternate stop codon (p.R72Lfs*47). This variant is considered to be rare based on population cohorts in the Genome Aggregation Database (gnomAD). This alteration is expected to result in loss of function by premature protein truncation or nonsense-mediated mRNA decay. As such, this alteration is interpreted as a disease-causing mutation.

Myriad Genetics, Inc.
Classification: Pathogenic for Colorectal cancer, hereditary nonpolyposis, type 7. Last evaluated: 2025-11-19. Review status: criteria provided, single submitter. Criteria: Myriad Autosomal Dominant, Autosomal Recessive and X-Linked Classification Criteria (2023). Collection method: clinical testing. Allele origin: unknown.
Comment: This variant is considered pathogenic. This variant creates a frameshift predicted to result in premature protein truncation.